The following is an entry in ClinVar:

ClinVar aggregate classification (germline): Uncertain significance (1 of 4 stars; one submission).

Conditions:
Neurodevelopmental disorder with eye movement abnormalities and ataxia. Identifiers: MedGen C5774241, MONDO:0859305, OMIM 620094.

Submission:

3billion
Classification: Uncertain significance for Neurodevelopmental disorder with eye movement abnormalities and ataxia. Review status: criteria provided, single submitter. Criteria: ACMG Guidelines, 2015. Collection method: clinical testing. Allele origin: unknown. Affected: yes. Observed: 1 heterozygote.
Comment: The variant is not observed in the gnomAD v2.1.1 dataset. Missense changes are a common disease-causing mechanism. Therefore, this variant is classified as Uncertain significance according to the recommendation of ACMG/AMP guideline.

NM_032892.5(FRMD5):c.1073G>A (p.Gly358Asp)

Gene: FRMD5 (FERM domain containing 5; minus strand). Cytogenetic location: 15q15.3.
Variant type: single nucleotide variant.
Coding change: c.1073G>A on transcript NM_032892.5 (MANE Select); coding-DNA position 1073, G replaced by A.
Protein change: p.Gly358Asp; replaces glycine 358 with aspartic acid.
Molecular consequence: missense variant. On other transcripts: non-coding transcript variant (1).
Genome position (GRCh38, 1-based): chr15:43,883,765, C>T on the plus strand (G>A on the coding strand, the complement: FRMD5 is on the minus strand). VCF-style: chr15-43883765-C-T. GRCh37 (hg19) VCF-style: chr15-44175963-C-T.
Other names: c.1073G>A, p.Gly358Asp (NM_001031729.1, NM_001322949.2, NM_001322950.2 and 1 more transcripts); c.791G>A, p.Gly264Asp (NM_001286490.2); c.371G>A, p.Gly124Asp (NM_001286491.2); c.968G>A, p.Gly323Asp (NM_001322951.2); short protein forms G124D, G264D, G323D, G358D.
Identifiers: ClinVar variation 2572521 (VCV002572521.1), dbSNP rs2508377270, ClinGen allele CA392190842.